The following is an entry in ClinVar:

ClinVar aggregate classification (germline): Uncertain significance (1 of 4 stars; one submission).

Conditions:
Osteogenesis imperfecta type I (OI1). Also called: Lobstein's Disease; Lobstein disease; Classic Non-deforming Osteogenesis Imperfecta with Blue Sclerae; OI, TYPE I; OSTEOGENESIS IMPERFECTA TARDA; OSTEOGENESIS IMPERFECTA WITH BLUE SCLERAE. Identifiers: Orphanet 216796, Orphanet 666, MedGen C0023931, MONDO:0008146, OMIM 166200. Disease mechanism: loss of function.

Allele frequency attached by ClinVar (database versions not stated): gnomAD exomes 0.00001; TOPMed 0.00001.
gnomAD v4.1: 5 of 1,614,172 alleles (0.00031%); highest among the groups gnomAD compares: Non-Finnish European, 0.00042%; no homozygotes.

Submission:

Labcorp Genetics (formerly Invitae), Labcorp
Classification: Uncertain significance for Osteogenesis imperfecta type I. Last evaluated: 2023-02-18. Review status: criteria provided, single submitter. Criteria: Invitae Variant Classification Sherloc (09022015). Collection method: clinical testing. Allele origin: germline.
Comment: In summary, the available evidence is currently insufficient to determine the role of this variant in disease. Therefore, it has been classified as a Variant of Uncertain Significance. Advanced modeling of protein sequence and biophysical properties (such as structural, functional, and spatial information, amino acid conservation, physicochemical variation, residue mobility, and thermodynamic stability) performed at Invitae indicates that this missense variant is expected to disrupt COL1A1 protein function. This variant has not been reported in the literature in individuals affected with COL1A1-related conditions. This variant is not present in population databases (gnomAD no frequency). This sequence change replaces proline, which is neutral and non-polar, with histidine, which is basic and polar, at codon 519 of the COL1A1 protein (p.Pro519His).

NM_000088.4(COL1A1):c.1556C>A (p.Pro519His)

Gene: COL1A1 (collagen type I alpha 1 chain; minus strand). Cytogenetic location: 17q21.33.
Variant type: single nucleotide variant.
Coding change: c.1556C>A on transcript NM_000088.4 (MANE Select); coding-DNA position 1556, C replaced by A.
Protein change: p.Pro519His; replaces proline 519 with histidine.
Molecular consequence: missense variant.
Genome position (GRCh38, 1-based): chr17:50,194,407, G>T on the plus strand (C>A on the coding strand, the complement: COL1A1 is on the minus strand). VCF-style: chr17-50194407-G-T. GRCh37 (hg19) VCF-style: chr17-48271768-G-T.
Other names: short protein forms P519H.
Identifiers: ClinVar variation 2733569 (VCV002733569.3), dbSNP rs1179271716, ClinGen allele CA400216727.